The following is an entry in ClinVar:

ClinVar aggregate classification (germline): Uncertain significance (1 of 4 stars; one submission).

Conditions:
Intellectual developmental disorder, autosomal dominant 1. Also called: MBD5 Haploinsufficiency; Intellectual disability, autosomal dominant 1. Identifiers: Orphanet 228402, MedGen C1969562, MONDO:0007974, OMIM 156200.

gnomAD v4.1: 4 of 1,613,754 alleles (0.00025%); highest among the groups gnomAD compares: Admixed American, 0.0017%; no homozygotes.

Submission:

Labcorp Genetics (formerly Invitae), Labcorp
Classification: Uncertain significance for Intellectual developmental disorder, autosomal dominant 1. Last evaluated: 2025-01-12. Review status: criteria provided, single submitter. Criteria: Invitae Variant Classification Sherloc (09022015). Collection method: clinical testing. Allele origin: germline.
Comment: This sequence change replaces alanine, which is neutral and non-polar, with serine, which is neutral and polar, at codon 875 of the MBD5 protein (p.Ala875Ser). This variant is present in population databases (no rsID available, gnomAD 0.003%). This variant has not been reported in the literature in individuals affected with MBD5-related conditions. Invitae Evidence Modeling of protein sequence and biophysical properties (such as structural, functional, and spatial information, amino acid conservation, physicochemical variation, residue mobility, and thermodynamic stability) indicates that this missense variant is not expected to disrupt MBD5 protein function with a negative predictive value of 80%. In summary, the available evidence is currently insufficient to determine the role of this variant in disease. Therefore, it has been classified as a Variant of Uncertain Significance.

NM_001378120.1(MBD5):c.2623G>T (p.Ala875Ser)

Gene: MBD5 (methyl-CpG binding domain protein 5; plus strand). Cytogenetic location: 2q23.1.
Variant type: single nucleotide variant.
Coding change: c.2623G>T on transcript NM_001378120.1 (MANE Select); coding-DNA position 2623, G replaced by T.
Protein change: p.Ala875Ser; replaces alanine 875 with serine.
Molecular consequence: missense variant.
Genome position (GRCh38, 1-based): chr2:148,483,214, G>T. VCF-style: chr2-148483214-G-T. GRCh37 (hg19) VCF-style: chr2-149240783-G-T.
Other names: c.2623G>T, p.Ala875Ser (NM_018328.5); short protein forms A875S.
Identifiers: ClinVar variation 3675681 (VCV003675681.2).